The following is an entry in ClinVar:

ClinVar aggregate classification (germline): Uncertain significance (1 of 4 stars; one submission).

Conditions:
Hereditary cancer-predisposing syndrome. Also called: Hereditary Cancer Syndrome; Neoplastic Syndromes, Hereditary; Tumor predisposition; Hereditary neoplastic syndrome. Identifiers: Orphanet 140162, MedGen C0027672, MeSH D009386, MONDO:0015356.

Submission:

Ambry Genetics
Classification: Uncertain significance for Hereditary cancer-predisposing syndrome. Last evaluated: 2025-10-16. Review status: criteria provided, single submitter. Criteria: Ambry Variant Classification Scheme 2023. Collection method: clinical testing. Allele origin: germline.
Comment: The c.5917_5918insTTC variant (also known as p.K1972_R1973insI), located in coding exon 38 of the ATM gene, results from an in-frame TTC insertion at nucleotide positions 5917 to 5918. This results in the insertion of an extra isoleucine residue between codons 1972 and 1973. This amino acid position is well conserved in available vertebrate species. In addition, this variant is predicted to be neutral by in silico analysis (Choi Y et al. PLoS ONE. 2012; 7(10):e46688). Based on the available evidence, the clinical significance of this variant remains unclear.

NM_000051.4(ATM):c.5917_5918insTTC (p.Lys1972_Arg1973insIle)

Genes: ATM (ATM serine/threonine kinase; plus strand), C11orf65 (chromosome 11 open reading frame 65; minus strand). Cytogenetic location: 11q22.3.
Variant type: Insertion.
Coding change: c.5917_5918insTTC on transcript NM_000051.4 (MANE Select); coding-DNA positions 5917 to 5918, TTC inserted.
Protein change: p.Lys1972_Arg1973insIle.
Molecular consequence: inframe insertion. On other transcripts: intron variant (2).
Genome position: GRCh38 VCF-style: chr11-108310314-A-ATTC. GRCh37 (hg19) VCF-style: chr11-108181041-A-ATTC.
Other names: c.5917_5918insTTC, p.Lys1972_Arg1973insIle (NM_001351834.2); c.641-1244_641-1243insGAA (NM_001330368.2); c.*39-1244_*39-1243insGAA (NM_001351110.2).
Identifiers: ClinVar variation 4617512 (VCV004617512.1).